The following is an entry in ClinVar:

NM_001089.3(ABCA3):c.3483+1G>A

Gene: ABCA3 (ATP binding cassette subfamily A member 3; minus strand). Cytogenetic location: 16p13.3.
Variant type: single nucleotide variant.
Coding change: c.3483+1G>A on transcript NM_001089.3 (MANE Select); the canonical splice donor site of the intron after coding-DNA position 3483, G replaced by A.
Molecular consequence: splice donor variant.
Genome position (GRCh38, 1-based): chr16:2,285,441, C>T on the plus strand (G>A on the coding strand, the complement: ABCA3 is on the minus strand). VCF-style: chr16-2285441-C-T. GRCh37 (hg19) VCF-style: chr16-2335442-C-T.
Identifiers: ClinVar variation 2767159 (VCV002767159.3), dbSNP rs2505623150, ClinGen allele CA394316475.

ClinVar aggregate classification (germline): Likely pathogenic (1 of 4 stars; one submission).

Submission:

Labcorp Genetics (formerly Invitae), Labcorp
Classification: Likely pathogenic. Last evaluated: 2023-10-09. Review status: criteria provided, single submitter. Criteria: Invitae Variant Classification Sherloc (09022015). Collection method: clinical testing. Allele origin: germline.
Comment: This sequence change affects a donor splice site in intron 23 of the ABCA3 gene. It is expected to disrupt RNA splicing. Variants that disrupt the donor or acceptor splice site typically lead to a loss of protein function (PMID: 16199547), and loss-of-function variants in ABCA3 are known to be pathogenic (PMID: 27516224). This variant is not present in population databases (gnomAD no frequency). This variant has not been reported in the literature in individuals affected with ABCA3-related conditions. Algorithms developed to predict the effect of sequence changes on RNA splicing suggest that this variant may disrupt the consensus splice site. In summary, the currently available evidence indicates that the variant is pathogenic, but additional data are needed to prove that conclusively. Therefore, this variant has been classified as Likely Pathogenic.

Literature cited by the submitters: PubMed 16199547; PubMed 27516224.